The following is an entry in ClinVar:

ClinVar aggregate classification (germline): Uncertain significance (1 of 4 stars; one submission).

gnomAD v4.1: 1 of 1,585,190 alleles (0.000063%); highest among the groups gnomAD compares: Middle Eastern, 0.017%; no homozygotes.

Submission:

GeneDx
Classification: Uncertain significance. Last evaluated: 2022-04-26. Review status: criteria provided, single submitter. Criteria: GeneDx Variant Classification Process June 2021. Collection method: clinical testing. Allele origin: germline. Affected: yes.
Comment: Not observed at significant frequency in large population cohorts (gnomAD); In silico analysis supports that this missense variant does not alter protein structure/function; Has not been previously published as pathogenic or benign to our knowledge; Variants in candidate genes are classified as variants of uncertain significance in accordance with ACMG guidelines (Richards et al., 2015)

NM_000718.4(CACNA1B):c.4579G>A (p.Val1527Met)

Gene: CACNA1B (calcium voltage-gated channel subunit alpha1 B; plus strand). Cytogenetic location: 9q34.3.
Variant type: single nucleotide variant.
Coding change: c.4579G>A on transcript NM_000718.4 (MANE Select); coding-DNA position 4579, G replaced by A.
Protein change: p.Val1527Met; replaces valine 1527 with methionine.
Molecular consequence: missense variant.
Genome position (GRCh38, 1-based): chr9:138,059,184, G>A. VCF-style: chr9-138059184-G-A. GRCh37 (hg19) VCF-style: chr9-140953636-G-A.
Other names: c.4579G>A, p.Val1527Met (NM_001243812.2); short protein forms V1527M.
Identifiers: ClinVar variation 3342505 (VCV003342505.1).